The following is an entry in ClinVar:

NM_014679.5(CEP57):c.286A>G (p.Thr96Ala)

Gene: CEP57 (centrosomal protein 57; plus strand). Cytogenetic location: 11q21.
Variant type: single nucleotide variant.
Coding change: c.286A>G on transcript NM_014679.5 (MANE Select); coding-DNA position 286, A replaced by G.
Protein change: p.Thr96Ala; replaces threonine 96 with alanine.
Molecular consequence: missense variant.
Genome position (GRCh38, 1-based): chr11:95,813,015, A>G. VCF-style: chr11-95813015-A-G. GRCh37 (hg19) VCF-style: chr11-95546179-A-G.
Other names: c.259A>G, p.Thr87Ala (NM_001243776.2); c.286A>G, p.Thr96Ala (NM_001243777.2); c.205A>G, p.Thr69Ala (NM_001363604.2); short protein forms T96A, T69A, T87A.
Identifiers: ClinVar variation 3832016 (VCV003832016.1).
Genomic context (GRCh38, chr11:95,813,015, plus strand): 5'-CTTCAAGATAAGATTCGACGCTTGGAACTTGAGAGGATTCAGGCAGAAGAAAGTGTGAAA[A>G]CCTTGTCTAGAGAAACAATTGAATATAAGAAAGTACTGGATGAACAGATACAAGAAAGGG-3'
Protein context (NP_055494.2, residues 86-106): ERIQAEESVK[Thr96Ala]LSRETIEYKK

ClinVar aggregate classification (germline): Uncertain significance (1 of 4 stars; one submission).

Conditions:
Inborn genetic diseases. Identifiers: MedGen C0950123, MeSH D030342.

Submission:

Ambry Genetics
Classification: Uncertain significance for Inborn genetic diseases. Last evaluated: 2025-03-09. Review status: criteria provided, single submitter. Criteria: Ambry Variant Classification Scheme 2023. Collection method: clinical testing. Allele origin: germline.
Comment: The p.T96A variant (also known as c.286A>G), located in coding exon 3 of the CEP57 gene, results from an A to G substitution at nucleotide position 286. The threonine at codon 96 is replaced by alanine, an amino acid with similar properties. This amino acid position is conserved. In addition, the in silico prediction for this alteration is inconclusive. Based on the available evidence, the clinical significance of this variant remains unclear.